The following is an entry in ClinVar:

NM_007129.5(ZIC2):c.1517G>A (p.Gly506Asp)

Gene: ZIC2 (Zic family zinc finger 2; plus strand). Cytogenetic location: 13q32.3.
Variant type: single nucleotide variant.
Coding change: c.1517G>A on transcript NM_007129.5 (MANE Select); coding-DNA position 1517, G replaced by A.
Protein change: p.Gly506Asp; replaces glycine 506 with aspartic acid.
Molecular consequence: missense variant.
Genome position (GRCh38, 1-based): chr13:99,985,600, G>A. VCF-style: chr13-99985600-G-A. GRCh37 (hg19) VCF-style: chr13-100637854-G-A.
Other names: short protein forms G506D.
Identifiers: ClinVar variation 2918383 (VCV002918383.3), dbSNP rs2501552161, ClinGen allele CA388639724.

ClinVar aggregate classification (germline): Uncertain significance (1 of 4 stars; one submission).

Conditions:
Holoprosencephaly 5 (HPE5). Identifiers: Orphanet 2162, MedGen C1864827, MONDO:0012322, OMIM 609637.

Allele frequency attached by ClinVar (database versions not stated): gnomAD exomes below 0.00001.
gnomAD v4.1: 1 of 1,054,838 alleles (0.000095%); highest among the groups gnomAD compares: Non-Finnish European, 0.00011%; no homozygotes.

Submission:

Labcorp Genetics (formerly Invitae), Labcorp
Classification: Uncertain significance for Holoprosencephaly 5. Last evaluated: 2023-04-06. Review status: criteria provided, single submitter. Criteria: Invitae Variant Classification Sherloc (09022015). Collection method: clinical testing. Allele origin: germline.
Comment: In summary, the available evidence is currently insufficient to determine the role of this variant in disease. Therefore, it has been classified as a Variant of Uncertain Significance. Experimental studies and prediction algorithms are not available or were not evaluated, and the functional significance of this variant is currently unknown. This variant has not been reported in the literature in individuals affected with ZIC2-related conditions. This variant is not present in population databases (gnomAD no frequency). This sequence change replaces glycine, which is neutral and non-polar, with aspartic acid, which is acidic and polar, at codon 506 of the ZIC2 protein (p.Gly506Asp).